The following is an entry in ClinVar:

NM_004369.4(COL6A3):c.6331CTGGATGGT[1] (p.2111LDG[1])

Gene: COL6A3 (collagen type VI alpha 3 chain; minus strand). Cytogenetic location: 2q37.3.
Variant type: Microsatellite.
Coding change: c.6331CTGGATGGT[1] on transcript NM_004369.4 (MANE Select); one copy of the 9-base unit CTGGATGGT starting at c.6331; the reference has two copies in a row; one copy, 9 bases deleted.
Protein change: p.2111LDG[1].
Molecular consequence: inframe deletion.
Genome position (GRCh38, 1-based): chr2:237,359,212-237,359,220, ACCATCCAG deleted on the plus strand (CTGGATGGT on the coding strand, the reverse complement: COL6A3 is on the minus strand); deleting any 9 consecutive bases within chr2:237,359,212-237,359,229 gives the same sequence; the position shown is the placement nearest the transcript's 3' end. VCF-style (leftmost placement, unchanged base first): chr2-237359211-CACCATCCAG-C. GRCh37 (hg19) VCF-style: chr2-238267854-CACCATCCAG-C.
Other names: c.6340_6348delCTGGATGGT (NM_004369.3); c.4510CTGGATGGT[1], p.1504LDG[1] (NM_057166.5); c.5713CTGGATGGT[1], p.1905LDG[1] (NM_057167.4).
Identifiers: ClinVar variation 432637 (VCV000432637.2), dbSNP rs1553553248, ClinGen allele CA645372714.

ClinVar aggregate classification (germline): Likely pathogenic (1 of 4 stars; one submission).

Submission:

GeneDx
Classification: Likely pathogenic. Last evaluated: 2017-06-14. Review status: criteria provided, single submitter. Criteria: GeneDx Variant Classification (06012015). Collection method: clinical testing. Allele origin: germline. Affected: yes.
Comment: A variant that is likely pathogenic has been identified in the COL6A3 gene. The c.6340_6348delCTGGATGGT variant has not been published as a pathogenic variant, nor has it been reported as a benign variant to our knowledge. The c.6340_6348delCTGGATGGT variant is not observed in large population cohorts (Lek et al., 2016; 1000 Genomes Consortium et al., 2015; Exome Variant Server). The c.6340_6348delCTGGATGGT variant results in an in-frame deletion of three amino acids, denoted p.Leu2114_Gly2116del. This deletion impacts the Gly-X-Y motif in the triple helical (TH) domain of collagen VI, a region that is well-conserved across species. Therefore, this variant is likely pathogenic; however, the possibility that it is benign cannot be excluded.